The following is an entry in ClinVar:

NM_000521.4(HEXB):c.1563_1573del (p.Met522fs)

Gene: HEXB (hexosaminidase subunit beta; plus strand). Cytogenetic location: 5q13.3.
Variant type: Deletion.
Coding change: c.1563_1573del on transcript NM_000521.4 (MANE Select); coding-DNA positions 1563 to 1573, 11 bases deleted (TATGGATGACG).
Protein change: p.Met522fs; shifts the reading frame from methionine 522.
Molecular consequence: frameshift variant.
Genome position (GRCh38, 1-based): chr5:74,720,697-74,720,707, TATGGATGACG deleted. VCF-style (leftmost placement, unchanged base first): chr5-74720696-ATATGGATGACG-A. GRCh37 (hg19) VCF-style: chr5-74016521-ATATGGATGACG-A.
Other names: c.888_898del, p.Met297fs (NM_001292004.2); short protein forms M297fs, M522fs.
Identifiers: ClinVar variation 1067213 (VCV001067213.11), dbSNP rs1749812910, ClinGen allele CA1555783745.
Genomic context (GRCh38, chr5:74,720,696, plus strand): 5'-ATTTTAGGCCTCGGGCAAGTGCTGTTGGTGAGAGACTCTGGAGTTCCAAAGATGTCAGAG[ATATGGATGACG>A]CCTATGACAGACTGACAAGGCACCGCTGCAGGATGGTCGAGTAAGAAATCTATTAAGTCC-3'

ClinVar aggregate classification (germline): Pathogenic/Likely pathogenic. Review status: criteria provided, multiple submitters, no conflicts (2 of 4 stars). 3 submissions from 3 submitters: Pathogenic (2); Likely pathogenic (1). Last evaluated 2024-04-23.

Conditions:
Sandhoff disease. Also called: Beta-hexosaminidase-beta-subunit deficiency; GM2 gangliosidosis, type 2; Total hexosaminidase deficiency; Sandhoff-Jatzkewitz-Pilz disease; GM2-GANGLIOSIDOSIS, TYPE II; HEXOSAMINIDASES A AND B DEFICIENCY. Identifiers: Orphanet 796, MedGen C0036161, MONDO:0010006, OMIM 268800.

Submissions (3):

Fulgent Genetics
Classification: Likely pathogenic for Sandhoff disease. Last evaluated: 2024-04-23. Review status: criteria provided, single submitter. Criteria: ACMG Guidelines, 2015. Collection method: clinical testing. Allele origin: germline.

Labcorp Genetics (formerly Invitae), Labcorp
Classification: Pathogenic for Sandhoff disease. Last evaluated: 2023-04-16. Review status: criteria provided, single submitter. Criteria: Invitae Variant Classification Sherloc (09022015). Collection method: clinical testing. Allele origin: germline.
Comment: This sequence change creates a premature translational stop signal (p.Met522Leufs*2) in the HEXB gene. While this is not anticipated to result in nonsense mediated decay, it is expected to disrupt the last 35 amino acid(s) of the HEXB protein. For these reasons, this variant has been classified as Pathogenic. This variant disrupts a region of the HEXB protein in which other variant(s) (p.Cys534) have been determined to be pathogenic (PMID: 29448188, 30075786). This suggests that this is a clinically significant region of the protein, and that variants that disrupt it are likely to be disease-causing. ClinVar contains an entry for this variant (Variation ID: 1067213). This premature translational stop signal has been observed in individual(s) with Sandhoff disease (PMID: 26582265). This variant is not present in population databases (gnomAD no frequency).

Neuberg Centre For Genomic Medicine, NCGM
Classification: Pathogenic for Sandhoff disease. Review status: criteria provided, single submitter. Criteria: ACMG Guidelines, 2015. Collection method: clinical testing. Allele origin: germline. Inheritance: Autosomal recessive inheritance. Affected: yes.

Literature cited by the submitters: PubMed 29448188 (cited by Labcorp Genetics (formerly Invitae), Labcorp); PubMed 30075786 (cited by Labcorp Genetics (formerly Invitae), Labcorp); PubMed 26582265 (cited by Labcorp Genetics (formerly Invitae), Labcorp).